The following is an entry in ClinVar:

ClinVar aggregate classification (germline): Uncertain significance. Review status: criteria provided, multiple submitters, no conflicts (2 of 4 stars). 2 submissions from 2 submitters: Uncertain significance (2). Last evaluated 2026-05-06.

Conditions:
Inborn genetic diseases. Identifiers: MedGen C0950123, MeSH D030342.

gnomAD v4.1: 5 of 1,606,500 alleles (0.00031%); highest among the groups gnomAD compares: Non-Finnish European, 0.00042%; no homozygotes.

Submissions (2):

Ambry Genetics
Classification: Uncertain significance for Inborn genetic diseases. Last evaluated: 2026-05-06. Review status: criteria provided, single submitter. Criteria: Ambry Variant Classification Scheme 2023. Collection method: clinical testing. Allele origin: germline.
Comment: The c.5620C>T (p.R1874W) alteration is located in exon 27 (coding exon 27) of the KMT2B gene. This alteration results from a C to T substitution at nucleotide position 5620, causing the arginine (R) at amino acid position 1874 to be replaced by a tryptophan (W). Based on data from gnomAD, the T allele has an overall frequency of <0.001% (1/232988) total alleles studied. The highest observed frequency was <0.001% (/) of alleles. Based on insufficient or conflicting evidence, the clinical significance of this alteration remains unclear.

GeneDx
Classification: Uncertain significance. Last evaluated: 2026-03-27. Review status: criteria provided, single submitter. Criteria: GeneDx Variant Classification Process June 2021. Collection method: clinical testing. Allele origin: germline.
Comment: Not observed at significant frequency in large population cohorts (gnomAD); In silico analysis supports that this missense variant has a deleterious effect on protein structure/function; Has not been previously published as pathogenic or benign to our knowledge

NM_014727.3(KMT2B):c.5620C>T (p.Arg1874Trp)

Gene: KMT2B (lysine methyltransferase 2B; plus strand). Cytogenetic location: 19q13.12.
Variant type: single nucleotide variant.
Coding change: c.5620C>T on transcript NM_014727.3 (MANE Select); coding-DNA position 5620, C replaced by T.
Protein change: p.Arg1874Trp; replaces arginine 1874 with tryptophan.
Molecular consequence: missense variant.
Genome position (GRCh38, 1-based): chr19:35,732,090, C>T. VCF-style: chr19-35732090-C-T. GRCh37 (hg19) VCF-style: chr19-36222991-C-T.
Other names: c.5620C>T (NM_014727.1); short protein forms R1874W.
Identifiers: ClinVar variation 4074395 (VCV004074395.3).
Genomic context (GRCh38, chr19:35,732,090, plus strand): 5'-CCTCCAGCCCCCCGTTCTTTTTCGGGGGCTCGAATCAAAGTGCCCAACTACTCGCCATCC[C>T]GGAGGCCCTTGGGGGGTGTCTCCTTTGGCCCCCTGCCCTCCCCTGGTGAGCACCGGGCAT-3'
Protein context (NP_055542.1, residues 1864-1884): RIKVPNYSPS[Arg1874Trp]RPLGGVSFGP